The following is an entry in ClinVar:

NM_032608.7(MYO18B):c.2837C>T (p.Ser946Phe)

Gene: MYO18B (myosin XVIIIB; plus strand). Cytogenetic location: 22q12.1.
Variant type: single nucleotide variant.
Coding change: c.2837C>T on transcript NM_032608.7 (MANE Select); coding-DNA position 2837, C replaced by T.
Protein change: p.Ser946Phe; replaces serine 946 with phenylalanine.
Molecular consequence: missense variant.
Genome position (GRCh38, 1-based): chr22:25,828,826, C>T. VCF-style: chr22-25828826-C-T. GRCh37 (hg19) VCF-style: chr22-26224793-C-T.
Other names: c.2837C>T, p.Ser946Phe (NM_001318245.2); short protein forms S946F.
Identifiers: ClinVar variation 1349655 (VCV001349655.8), dbSNP rs781533898, ClinGen allele CA10160345.

ClinVar aggregate classification (germline): Uncertain significance (1 of 4 stars; one submission).

Allele frequency attached by ClinVar (database versions not stated): gnomAD exomes below 0.00001 and 0.00001; ExAC 0.00002; gnomAD 0.00004; TOPMed 0.00004.
gnomAD v4.1: 7 of 1,613,856 alleles (0.00043%); highest among the groups gnomAD compares: African/African-American, 0.0093%; no homozygotes.

Submission:

Labcorp Genetics (formerly Invitae), Labcorp
Classification: Uncertain significance. Last evaluated: 2023-11-19. Review status: criteria provided, single submitter. Criteria: Invitae Variant Classification Sherloc (09022015). Collection method: clinical testing. Allele origin: germline.
Comment: This sequence change replaces serine, which is neutral and polar, with phenylalanine, which is neutral and non-polar, at codon 946 of the MYO18B protein (p.Ser946Phe). This variant is present in population databases (rs781533898, gnomAD 0.01%). This variant has not been reported in the literature in individuals affected with MYO18B-related conditions. ClinVar contains an entry for this variant (Variation ID: 1349655). An algorithm developed to predict the effect of missense changes on protein structure and function (PolyPhen-2) suggests that this variant is likely to be tolerated. In summary, the available evidence is currently insufficient to determine the role of this variant in disease. Therefore, it has been classified as a Variant of Uncertain Significance.